The following is an entry in ClinVar:

NM_000215.4(JAK3):c.718A>G (p.Met240Val)

Gene: JAK3 (Janus kinase 3; minus strand). Cytogenetic location: 19p13.11.
Variant type: single nucleotide variant.
Coding change: c.718A>G on transcript NM_000215.4 (MANE Select); coding-DNA position 718, A replaced by G.
Protein change: p.Met240Val; replaces methionine 240 with valine.
Molecular consequence: missense variant.
Genome position (GRCh38, 1-based): chr19:17,842,459, T>C on the plus strand (A>G on the coding strand, the complement: JAK3 is on the minus strand). VCF-style: chr19-17842459-T-C. GRCh37 (hg19) VCF-style: chr19-17953268-T-C.
Other names: short protein forms M240V.
Identifiers: ClinVar variation 1957584 (VCV001957584.2), dbSNP rs1160083927, ClinGen allele CA404772629.

ClinVar aggregate classification (germline): Uncertain significance (1 of 4 stars; one submission).

Conditions:
T-B+ severe combined immunodeficiency due to JAK3 deficiency. Also called: SCID, T CELL-NEGATIVE, B CELL-POSITIVE, NK CELL-NEGATIVE; SCID, autosomal recessive, T-negative/B-positive type. Identifiers: Orphanet 35078, MedGen C1833275, MONDO:0010938, OMIM 600802.

Allele frequency attached by ClinVar (database versions not stated): gnomAD 0.00001; TOPMed 0.00001; gnomAD exomes 0.00003.
gnomAD v4.1: 41 of 1,596,710 alleles (0.0026%); highest among the groups gnomAD compares: Non-Finnish European, 0.0034%; no homozygotes.

Submission:

Labcorp Genetics (formerly Invitae), Labcorp
Classification: Uncertain significance for T-B+ severe combined immunodeficiency due to JAK3 deficiency. Last evaluated: 2022-05-16. Review status: criteria provided, single submitter. Criteria: Invitae Variant Classification Sherloc (09022015). Collection method: clinical testing. Allele origin: germline.
Comment: This sequence change replaces methionine, which is neutral and non-polar, with valine, which is neutral and non-polar, at codon 240 of the JAK3 protein (p.Met240Val). The frequency data for this variant in the population databases is considered unreliable, as metrics indicate poor data quality at this position in the gnomAD database. This variant has not been reported in the literature in individuals affected with JAK3-related conditions. Advanced modeling of protein sequence and biophysical properties (such as structural, functional, and spatial information, amino acid conservation, physicochemical variation, residue mobility, and thermodynamic stability) performed at Invitae indicates that this missense variant is not expected to disrupt JAK3 protein function. In summary, the available evidence is currently insufficient to determine the role of this variant in disease. Therefore, it has been classified as a Variant of Uncertain Significance.